The following is an entry in ClinVar:

ClinVar aggregate classification (germline): Uncertain significance (1 of 4 stars; one submission).

Conditions:
Inborn genetic diseases. Identifiers: MedGen C0950123, MeSH D030342.

Allele frequency attached by ClinVar (database versions not stated): TOPMed below 0.00001; gnomAD 0.00001.

Submission:

Ambry Genetics
Classification: Uncertain significance for Inborn genetic diseases. Last evaluated: 2017-07-21. Review status: criteria provided, single submitter. Criteria: Ambry Variant Classification Scheme 2023. Collection method: clinical testing. Allele origin: germline.
Comment: The p.L6P variant (also known as c.17T>C), located in coding exon 1 of the NRXN1 gene, results from a T to C substitution at nucleotide position 17. The leucine at codon 6 is replaced by proline, an amino acid with similar properties. This amino acid position is highly conserved in available vertebrate species. In addition, the in silico prediction for this alteration is inconclusive. Since supporting evidence is limited at this time, the clinical significance of this alteration remains unclear.

NM_001330078.2(NRXN1):c.3365-109963T>C

Gene: NRXN1 (neurexin 1; minus strand). Cytogenetic location: 2p16.3.
Variant type: single nucleotide variant.
Coding change: c.3365-109963T>C on transcript NM_001330078.2 (MANE Select); 109963 bases into the intron before coding-DNA position 3365, T replaced by C.
Molecular consequence: intron variant. On other transcripts: missense variant (4).
Genome position (GRCh38, 1-based): chr2:50,346,933, A>G on the plus strand (T>C on the coding strand, the complement: NRXN1 is on the minus strand). VCF-style: chr2-50346933-A-G. GRCh37 (hg19) VCF-style: chr2-50574071-A-G.
Other names: c.17T>C, p.Leu6Pro (NM_001330091.2, NM_001330092.2, NM_001330097.2 and 1 more transcripts); c.3254-109963T>C (NM_001330096.2, NM_001330087.2); c.3299-109963T>C (NM_001330083.2, NM_001330084.2); c.3284-109963T>C (NM_001330088.2); c.3362-109963T>C (NM_001330093.2); c.3353-109963T>C (NM_001330094.2); c.3314-109963T>C (NM_001330095.2); c.3341-109963T>C (NM_001330082.2, NM_001330077.2); and 3 more; short protein forms L6P.
Identifiers: ClinVar variation 1780380 (VCV001780380.2), dbSNP rs1384454959, ClinGen allele CA346820718.
Genomic context (GRCh38, chr2:50,346,933, plus strand): 5'-CCGCCGCCGCCGCCGCCGCCGCCGCCGCCCCCGGGCGAGCCCAGCTCGGCGCCGCACCGG[A>G]GCATCCTCTGGTACATGGCGGGGCGCCCGCCGAGGGGCAGCCGCCGCGGGAGGCAAAGTT-3'